The following is an entry in ClinVar:

NM_005012.4(ROR1):c.748G>A (p.Asp250Asn)

Gene: ROR1 (receptor tyrosine kinase like orphan receptor 1; plus strand). Cytogenetic location: 1p31.3.
Variant type: single nucleotide variant.
Coding change: c.748G>A on transcript NM_005012.4 (MANE Select); coding-DNA position 748, G replaced by A.
Protein change: p.Asp250Asn; replaces aspartic acid 250 with asparagine.
Molecular consequence: missense variant.
Genome position (GRCh38, 1-based): chr1:64,140,246, G>A. VCF-style: chr1-64140246-G-A. GRCh37 (hg19) VCF-style: chr1-64605929-G-A.
Other names: c.748G>A, p.Asp250Asn (NM_001083592.2); short protein forms D250N.
Identifiers: ClinVar variation 2987999 (VCV002987999.3), dbSNP rs761232470, ClinGen allele CA890145.

ClinVar aggregate classification (germline): Uncertain significance (1 of 4 stars; one submission).

Allele frequency attached by ClinVar (database versions not stated): ExAC 0.00002; TOPMed 0.00002; gnomAD 0.00003.
gnomAD v4.1: 37 of 1,613,984 alleles (0.0023%); highest among the groups gnomAD compares: African/African-American, 0.0067%; no homozygotes.

Submission:

Labcorp Genetics (formerly Invitae), Labcorp
Classification: Uncertain significance. Last evaluated: 2023-05-16. Review status: criteria provided, single submitter. Criteria: Invitae Variant Classification Sherloc (09022015). Collection method: clinical testing. Allele origin: germline.
Comment: In summary, the available evidence is currently insufficient to determine the role of this variant in disease. Therefore, it has been classified as a Variant of Uncertain Significance. Advanced modeling of protein sequence and biophysical properties (such as structural, functional, and spatial information, amino acid conservation, physicochemical variation, residue mobility, and thermodynamic stability) performed at Invitae indicates that this missense variant is expected to disrupt ROR1 protein function. This variant has not been reported in the literature in individuals affected with ROR1-related conditions. This variant is present in population databases (rs761232470, gnomAD 0.008%). This sequence change replaces aspartic acid, which is acidic and polar, with asparagine, which is neutral and polar, at codon 250 of the ROR1 protein (p.Asp250Asn).